The following is an entry in ClinVar:

NM_000038.6(APC):c.6586A>C (p.Lys2196Gln)

Gene: APC (APC regulator of Wnt signaling pathway; plus strand). Cytogenetic location: 5q22.2.
Variant type: single nucleotide variant.
Coding change: c.6586A>C on transcript NM_000038.6 (MANE Select); coding-DNA position 6586, A replaced by C.
Protein change: p.Lys2196Gln; replaces lysine 2196 with glutamine.
Molecular consequence: missense variant.
Genome position (GRCh38, 1-based): chr5:112,842,180, A>C. VCF-style: chr5-112842180-A-C. GRCh37 (hg19) VCF-style: chr5-112177877-A-C.
Other names: c.6586A>C, p.Lys2196Gln (NM_001127510.3, NM_001354895.2); c.6532A>C, p.Lys2178Gln (NM_001127511.3); c.6640A>C, p.Lys2214Gln (NM_001354896.2); c.6616A>C, p.Lys2206Gln (NM_001354897.2); c.6511A>C, p.Lys2171Gln (NM_001354898.2); c.6502A>C, p.Lys2168Gln (NM_001354899.2); c.6463A>C, p.Lys2155Gln (NM_001354900.2); c.6409A>C, p.Lys2137Gln (NM_001354901.2); and 5 more; short protein forms K2178Q, K2196Q, K2095Q, K2137Q, K2155Q, K2168Q, K2105Q, K1913Q.
Identifiers: ClinVar variation 482404 (VCV000482404.18), dbSNP rs864622102, ClinGen allele CA16035741.

ClinVar aggregate classification (germline): Uncertain significance. Review status: criteria provided, multiple submitters, no conflicts (2 of 4 stars). 2 submissions from 2 submitters: Uncertain significance (2). Last evaluated 2025-10-07.

Conditions:
Hereditary cancer-predisposing syndrome. Also called: Neoplastic Syndromes, Hereditary; Tumor predisposition; Hereditary Cancer Syndrome; Hereditary neoplastic syndrome. Identifiers: Orphanet 140162, MedGen C0027672, MeSH D009386, MONDO:0015356.
Familial adenomatous polyposis 1 (FAP1). Also called: FAMILIAL ADENOMATOUS POLYPOSIS 1, ATTENUATED; POLYPOSIS, ADENOMATOUS INTESTINAL. Identifiers: MedGen C2713442, MONDO:0021056, OMIM 175100. Disease mechanism: loss of function.

Allele frequency attached by ClinVar (database versions not stated): gnomAD exomes below 0.00001.
gnomAD v4.1: 3 of 1,613,022 alleles (0.00019%); highest among the groups gnomAD compares: Non-Finnish European, 0.00025%; no homozygotes.

Submissions (2):

Labcorp Genetics (formerly Invitae), Labcorp
Classification: Uncertain significance for Familial adenomatous polyposis 1. Last evaluated: 2025-10-07. Review status: criteria provided, single submitter. Criteria: Invitae Variant Classification Sherloc (09022015). Collection method: clinical testing. Allele origin: germline.
Comment: This sequence change replaces lysine, which is basic and polar, with glutamine, which is neutral and polar, at codon 2196 of the APC protein (p.Lys2196Gln). This variant is present in population databases (no rsID available, gnomAD 0.0009%). This variant has not been reported in the literature in individuals affected with APC-related conditions. ClinVar contains an entry for this variant (Variation ID: 482404). Invitae Evidence Modeling of protein sequence and biophysical properties (such as structural, functional, and spatial information, amino acid conservation, physicochemical variation, residue mobility, and thermodynamic stability) indicates that this missense variant is not expected to disrupt APC protein function with a negative predictive value of 95%. In summary, the available evidence is currently insufficient to determine the role of this variant in disease. Therefore, it has been classified as a Variant of Uncertain Significance.

Ambry Genetics
Classification: Uncertain significance for Hereditary cancer-predisposing syndrome. Last evaluated: 2025-09-02. Review status: criteria provided, single submitter. Criteria: Ambry Variant Classification Scheme 2023. Collection method: clinical testing. Allele origin: germline.
Comment: The p.K2196Q variant (also known as c.6586A>C), located in coding exon 15 of the APC gene, results from an A to C substitution at nucleotide position 6586. The lysine at codon 2196 is replaced by glutamine, an amino acid with similar properties. This amino acid position is well conserved in available vertebrate species. In addition, in silico predictors for this gene do not accurately predict pathogenicity. Missense alterations in APC are not a common cause of disease (Spier I et al. Genet Med. 2024 Feb;26(2):100992). Based on the available evidence, the clinical significance of this variant remains unclear.